The following is an entry in ClinVar:

NM_001350145.3(PATJ):c.1683+2T>C

Gene: PATJ (PATJ crumbs cell polarity complex component; plus strand). Cytogenetic location: 1p31.3.
Variant type: single nucleotide variant.
Coding change: c.1683+2T>C on transcript NM_001350145.3 (MANE Select); the canonical splice donor site of the intron after coding-DNA position 1683, T replaced by C.
Molecular consequence: splice donor variant.
Genome position (GRCh38, 1-based): chr1:61,808,532, T>C. VCF-style: chr1-61808532-T-C. GRCh37 (hg19) VCF-style: chr1-62274204-T-C.
Other names: c.1683+2T>C (NM_176877.5).
Identifiers: ClinVar variation 4856869 (VCV004856869.2).

ClinVar aggregate classification (germline): Uncertain significance (1 of 4 stars; one submission).

gnomAD v4.1: 1 of 1,585,956 alleles (0.000063%); highest among the groups gnomAD compares: Non-Finnish European, 0.000087%; no homozygotes.

Submission:

Dasa
Classification: Uncertain significance. Last evaluated: 2025-05-31. Review status: criteria provided, single submitter. Criteria: DASA Assertion Criteria. Collection method: clinical testing. Allele origin: germline.
Comment: NM_001350145.3(PATJ):c.1683+2T>C affects a canonical splice site and is predicted to disrupt normal RNA splicing. This variant is rare in population databases. Computational prediction algorithms are consistent with a deleterious effect. The currently available literature and clinical evidence are not sufficient to establish a definitive association between this variant and the reported condition. Therefore, this variant is classified as a variant of uncertain significance.